The following is an entry in ClinVar:

NM_001844.5(COL2A1):c.2213G>T (p.Gly738Val)

Gene: COL2A1 (collagen type II alpha 1 chain; minus strand). Cytogenetic location: 12q13.11.
Variant type: single nucleotide variant.
Coding change: c.2213G>T on transcript NM_001844.5 (MANE Select); coding-DNA position 2213, G replaced by T.
Protein change: p.Gly738Val; replaces glycine 738 with valine.
Molecular consequence: missense variant.
Genome position (GRCh38, 1-based): chr12:47,982,590, C>A on the plus strand (G>T on the coding strand, the complement: COL2A1 is on the minus strand). VCF-style: chr12-47982590-C-A. GRCh37 (hg19) VCF-style: chr12-48376373-C-A.
Other names: c.2006G>T, p.Gly669Val (NM_033150.3); short protein forms G669V, G738V.
Identifiers: ClinVar variation 1188563 (VCV001188563.2), dbSNP rs1367822001, ClinGen allele CA384546276.

ClinVar aggregate classification (germline): Pathogenic (1 of 4 stars; one submission).

Submission:

GeneDx
Classification: Pathogenic. Last evaluated: 2019-04-08. Review status: criteria provided, single submitter. Criteria: GeneDx Variant Classification Process June 2021. Collection method: clinical testing. Allele origin: germline. Affected: yes.
Comment: Occurs in the triple helical domain and replaces the Glycine in the canonical Gly-X-Y repeat. Missense substitutions of a canonical Glycine residue is expected to disrupt normal protein folding and function, and this is an established mechanism of disease.; Not observed in large population cohorts (Lek et al., 2016); In silico analysis, which includes protein predictors and evolutionary conservation, supports a deleterious effect